The following is an entry in ClinVar:

NM_001939.3(DRP2):c.976-4A>G

Gene: DRP2 (dystrophin related protein 2; plus strand). Cytogenetic location: Xq22.1.
Variant type: single nucleotide variant.
Coding change: c.976-4A>G on transcript NM_001939.3 (MANE Select); 4 bases into the intron before coding-DNA position 976, A replaced by G.
Molecular consequence: intron variant.
Genome position (GRCh38, 1-based): chrX:101,242,900, A>G. VCF-style: chrX-101242900-A-G. GRCh37 (hg19) VCF-style: chrX-100497889-A-G.
Other names: c.742-4A>G (NM_001171184.2).
Identifiers: ClinVar variation 780712 (VCV000780712.13), dbSNP rs142652091, ClinGen allele CA10472163.

ClinVar aggregate classification (germline): Benign. Review status: criteria provided, multiple submitters, no conflicts (2 of 4 stars). 3 submissions from 3 submitters: Benign (2). 1 of the submissions does not count toward it. Last evaluated 2026-01-28.

Conditions:
DRP2-related disorder. Also called: DRP2-related condition.

Allele frequency attached by ClinVar (database versions not stated): gnomAD 0.01033 and 0.01094; 1000 Genomes Project 30x 0.01082; TOPMed 0.01210; ESP Exome Variant Server 0.01354; gnomAD exomes 0.00181 and 0.00435; ExAC 0.00497; 1000 Genomes Project 0.00927.
gnomAD v4.1: 3,237 of 1,207,673 alleles (0.27%); highest among the groups gnomAD compares: African/African-American, 3.5%; 25 homozygotes.

Submissions (3):

Labcorp Genetics (formerly Invitae), Labcorp
Classification: Benign. Last evaluated: 2026-01-28. Review status: criteria provided, single submitter. Criteria: Invitae Variant Classification Sherloc (09022015). Collection method: clinical testing. Allele origin: germline.

Breakthrough Genomics
Classification: Benign. Review status: criteria provided, single submitter. Criteria: ACMG Guidelines, 2015. Collection method: not provided. Allele origin: germline. Inheritance: Unknown mechanism. Affected: yes.

PreventionGenetics, part of Exact Sciences
Classification: Benign for DRP2-related condition. Last evaluated: 2019-06-11. Review status: no assertion criteria provided. Collection method: clinical testing. Allele origin: germline. Not counted in ClinVar's aggregate classification.
Comment: This variant is classified as benign based on ACMG/AMP sequence variant interpretation guidelines (Richards et al. 2015 PMID: 25741868, with internal and published modifications).